The following is an entry in ClinVar:

ClinVar aggregate classification (germline): Likely benign (1 of 4 stars; one submission).

Allele frequency attached by ClinVar (database versions not stated): gnomAD exomes 0.00054; ExAC 0.00071; ESP Exome Variant Server 0.00085; 1000 Genomes Project 30x 0.00109; gnomAD 0.00112; 1000 Genomes Project 0.00120; TOPMed 0.00134.

Submission:

CeGaT Center for Human Genetics Tuebingen
Classification: Likely benign. Last evaluated: 2022-09-01. Review status: criteria provided, single submitter. Criteria: CeGaT Center For Human Genetics Tuebingen Variant Classification Criteria Version 2. Collection method: clinical testing. Allele origin: germline. Affected: yes. Observed: 1 variant allele.
Comment: H3C4: BP4, BP7

NM_001376937.1(H3C4):c.183G>A (p.Leu61=)

Gene: H3C4 (H3 clustered histone 4; minus strand). Cytogenetic location: 6p22.2.
Variant type: single nucleotide variant.
Coding change: c.183G>A on transcript NM_001376937.1 (MANE Select); coding-DNA position 183, G replaced by A.
Protein change: p.Leu61=; no amino-acid change (leucine 61 retained).
Molecular consequence: synonymous variant.
Genome position (GRCh38, 1-based): chr6:26,197,068, C>T on the plus strand (G>A on the coding strand, the complement: H3C4 is on the minus strand). VCF-style: chr6-26197068-C-T. GRCh37 (hg19) VCF-style: chr6-26197296-C-T.
Other names: c.183G>A, p.Leu61= (NM_003530.4).
Identifiers: ClinVar variation 2656309 (VCV002656309.24), dbSNP rs138869955, ClinGen allele CA3668963.
Genomic context (GRCh38, chr6:26,197,068, plus strand): 5'-AGTCTTGAAGTCCTGCGCGATCTCACGGACTAGACGCTGGAATGGCAGTTTGCGAATCAG[C>T]AGCTCGGTCGACTTCTGGTAGCGGCGGATCTCGCGCAGAGCCACCGTGCCGGGCCGGTAA-3'
Protein context (NP_001363866.1, residues 51-71): EIRRYQKSTE[Leu61=]LIRKLPFQRL